The following is an entry in ClinVar:

NM_152564.5(VPS13B):c.983A>G (p.His328Arg)

Gene: VPS13B (vacuolar protein sorting 13 homolog B; plus strand). Cytogenetic location: 8q22.2.
Variant type: single nucleotide variant.
Coding change: c.983A>G on transcript NM_152564.5 (MANE Select); coding-DNA position 983, A replaced by G.
Protein change: p.His328Arg; replaces histidine 328 with arginine.
Molecular consequence: missense variant. On other transcripts: non-coding transcript variant (1).
Genome position (GRCh38, 1-based): chr8:99,121,222, A>G. VCF-style: chr8-99121222-A-G. GRCh37 (hg19) VCF-style: chr8-100133450-A-G.
Other names: c.983A>G, p.His328Arg (NM_015243.3, NM_017890.5, NM_181661.3); c.983A>G (NM_152564.4); short protein forms H328R.
Identifiers: ClinVar variation 198886 (VCV000198886.40), dbSNP rs181625846, ClinGen allele CA247762.

ClinVar aggregate classification (germline): Conflicting classifications of pathogenicity. Review status: criteria provided, conflicting classifications (1 of 4 stars). 18 submissions from 18 submitters: Uncertain significance (10); Likely benign (4). 4 of the submissions do not count toward it. Last evaluated 2026-04-01.

Conditions:
VPS13B-related disorder. Also called: VPS13B-related condition.
Inborn genetic diseases. Identifiers: MedGen C0950123, MeSH D030342.
Cohen syndrome (COH1). Also called: Cutis verticis gyrata, retinitis pigmentosa, and sensorineural deafness; PEPPER SYNDROME. Identifiers: Orphanet 193, MedGen C0265223, MONDO:0008999, OMIM 216550.

Allele frequency attached by ClinVar (database versions not stated): gnomAD exomes 0.00055 and 0.00071; ESP Exome Variant Server 0.00062; TOPMed 0.00064; 1000 Genomes Project 30x 0.00031; 1000 Genomes Project 0.00040; gnomAD 0.00053; ExAC 0.00055.
gnomAD v4.1: 1,124 of 1,614,080 alleles (0.07%); highest among the groups gnomAD compares: Admixed American, 0.092%; no homozygotes.

Submissions (18):

Women's Health and Genetics/Laboratory Corporation of America, LabCorp
Classification: Uncertain significance. Last evaluated: 2026-04-01. Review status: criteria provided, single submitter. Criteria: LabCorp Variant Classification Summary - May 2015. Collection method: clinical testing. Allele origin: germline.
Comment: Variant summary: VPS13B c.983A>G (p.His328Arg) results in a non-conservative amino acid change in the encoded protein sequence. Algorithms developed to predict the effect of missense changes on protein structure and function are either unavailable or do not agree on the potential impact of this missense change. The variant allele was found at a frequency of 0.00055 in 251030 control chromosomes, predominantly at a frequency of 0.0011 within the Latino subpopulation in the gnomAD database. This frequency is not significantly higher than estimated for disease-causing variants in VPS13B, allowing no conclusion about variant significance. To our knowledge, no occurrence of c.983A>G in individuals affected with VPS13B-related conditions and no experimental evidence demonstrating its impact on protein function have been reported. ClinVar contains an entry for this variant (Variation ID: 198886). Based on the evidence outlined above, the variant was classified as uncertain significance.

Labcorp Genetics (formerly Invitae), Labcorp
Classification: Likely benign for Cohen syndrome. Last evaluated: 2026-02-01. Review status: criteria provided, single submitter. Criteria: Invitae Variant Classification Sherloc (09022015). Collection method: clinical testing. Allele origin: germline.

Dasa
Classification: Uncertain significance. Last evaluated: 2025-12-21. Review status: criteria provided, single submitter. Criteria: DASA Assertion Criteria. Collection method: clinical testing. Allele origin: germline.
Comment: NM_152564.5(VPS13B):c.983A>G (p.His328Arg) is a missense variant that results in the substitution of histidine with arginine. This variant is rare in population databases. The currently available literature and clinical evidence are not sufficient to establish a definitive association between this variant and the reported condition. Therefore, this variant is classified as a variant of uncertain significance.

Athena Diagnostics
Classification: Likely benign. Last evaluated: 2025-05-06. Review status: criteria provided, single submitter. Criteria: Athena Diagnostics Criteria. Collection method: clinical testing. Allele origin: unknown.
Comment: The frequency of this variant in the general population is higher than would generally be expected for pathogenic variants in this gene. Computational tools predict this amino acid change may be benign.

Blueprint Genetics
Classification: Likely benign. Last evaluated: 2024-11-18. Review status: criteria provided, single submitter. Criteria: ACMG Guidelines, 2015. Collection method: clinical testing. Allele origin: germline.

Department of Pathology and Laboratory Medicine, Sinai Health System
Classification: Uncertain significance for Cohen syndrome. Last evaluated: 2022-04-12. Review status: criteria provided, single submitter. Criteria: ACMG Guidelines, 2015. Collection method: research. Allele origin: germline.

New York Genome Center
Classification: Uncertain significance for Cohen syndrome. Last evaluated: 2022-02-11. Review status: criteria provided, single submitter. Criteria: NYGC Assertion Criteria 2020. Collection method: clinical testing. Allele origin: germline. Observed: 1 heterozygote.

Genetic Services Laboratory, University of Chicago
Classification: Uncertain significance. Last evaluated: 2021-04-20. Review status: criteria provided, single submitter. Criteria: ACMG Guidelines, 2015. Collection method: clinical testing. Allele origin: germline. Affected: no.

GeneDx
Classification: Likely benign. Last evaluated: 2021-03-23. Review status: criteria provided, single submitter. Criteria: GeneDx Variant Classification Process June 2021. Collection method: clinical testing. Allele origin: germline. Affected: yes.

Ambry Genetics
Classification: Uncertain significance for Inborn genetic diseases. Last evaluated: 2020-11-13. Review status: criteria provided, single submitter. Criteria: Ambry Variant Classification Scheme 2023. Collection method: clinical testing. Allele origin: germline.
Comment: The c.983A>G (p.H328R) alteration is located in exon 8 (coding exon 7) of the VPS13B gene. This alteration results from a A to G substitution at nucleotide position 983, causing the histidine (H) at amino acid position 328 to be replaced by an arginine (R). Based on data from the Genome Aggregation Database (gnomAD) database, the VPS13B c.983A>G alteration was observed in 0.05% (151/282442) of total alleles studied, with a frequency of 0.11% (39/35364) in the Latino subpopulation. This amino acid position is well conserved in available vertebrate species. The p.H328R alteration is predicted to be tolerated by in silico analysis. Based on insufficient or conflicting evidence, the clinical significance of this alteration remains unclear.

Knight Diagnostic Laboratories, Oregon Health and Sciences University
Classification: Uncertain significance for Cohen syndrome. Last evaluated: 2019-06-19. Review status: criteria provided, single submitter. Criteria: ACMG Guidelines, 2015. Collection method: clinical testing. Allele origin: germline. Observed: 1 variant allele.

Fulgent Genetics
Classification: Uncertain significance for Cohen syndrome. Last evaluated: 2018-10-31. Review status: criteria provided, single submitter. Criteria: ACMG Guidelines, 2015. Collection method: clinical testing. Allele origin: unknown.

Illumina Laboratory Services, Illumina
Classification: Uncertain significance for Cohen syndrome. Last evaluated: 2018-01-13. Review status: criteria provided, single submitter. Criteria: ICSL Variant Classification Criteria 13 December 2019. Collection method: clinical testing. Allele origin: germline.

Eurofins Ntd Llc (ga)
Classification: Uncertain significance. Last evaluated: 2015-10-26. Review status: criteria provided, single submitter. Criteria: EGL Classification Definitions 2015. Collection method: clinical testing. Allele origin: germline. Observed: 3 variant alleles, 3 heterozygotes.

PreventionGenetics, part of Exact Sciences
Classification: Likely benign for VPS13B-related condition. Last evaluated: 2024-03-27. Review status: no assertion criteria provided. Collection method: clinical testing. Allele origin: germline. Not counted in ClinVar's aggregate classification.
Comment: This variant is classified as likely benign based on ACMG/AMP sequence variant interpretation guidelines (Richards et al. 2015 PMID: 25741868, with internal and published modifications).

Clinical Genetics DNA and cytogenetics Diagnostics Lab, Erasmus MC, Erasmus Medical Center
Classification: Likely benign. Review status: no assertion criteria provided. Collection method: clinical testing. Allele origin: germline. Affected: yes. Study: VKGL Data-share Consensus. Not counted in ClinVar's aggregate classification.

Clinical Genetics, Academic Medical Center
Classification: Likely benign. Review status: no assertion criteria provided. Collection method: clinical testing. Allele origin: germline. Affected: yes. Study: VKGL Data-share Consensus. Not counted in ClinVar's aggregate classification.

Genome Diagnostics Laboratory, University Medical Center Utrecht
Classification: Likely benign. Review status: no assertion criteria provided. Collection method: clinical testing. Allele origin: germline. Affected: yes. Study: VKGL Data-share Consensus. Not counted in ClinVar's aggregate classification.

Literature cited by the submitters: PubMed 26350204 (cited by Athena Diagnostics).